The following is an entry in ClinVar:

ClinVar aggregate classification (germline): Uncertain significance (1 of 4 stars; one submission).

Conditions:
Norman-Roberts syndrome (LIS2). Also called: Lissencephaly 2 (Norman-Roberts type). Identifiers: Orphanet 89844, MedGen C0796089, MONDO:0009760, OMIM 257320.
Familial temporal lobe epilepsy 7. Identifiers: Orphanet 101046, MedGen C4225327, MONDO:0014639, OMIM 616436.

Submission:

Labcorp Genetics (formerly Invitae), Labcorp
Classification: Uncertain significance for Familial temporal lobe epilepsy 7; Norman-Roberts syndrome. Last evaluated: 2025-07-21. Review status: criteria provided, single submitter. Criteria: Invitae Variant Classification Sherloc (09022015). Collection method: clinical testing. Allele origin: germline.
Comment: This sequence change replaces glycine, which is neutral and non-polar, with glutamic acid, which is acidic and polar, at codon 1349 of the RELN protein (p.Gly1349Glu). This variant is not present in population databases (gnomAD no frequency). This variant has not been reported in the literature in individuals affected with RELN-related conditions. Invitae Evidence Modeling of protein sequence and biophysical properties (such as structural, functional, and spatial information, amino acid conservation, physicochemical variation, residue mobility, and thermodynamic stability) indicates that this missense variant is not expected to disrupt RELN protein function with a negative predictive value of 80%. In summary, the available evidence is currently insufficient to determine the role of this variant in disease. Therefore, it has been classified as a Variant of Uncertain Significance.

NM_005045.4(RELN):c.4046G>A (p.Gly1349Glu)

Gene: RELN (reelin; minus strand). Cytogenetic location: 7q22.1.
Variant type: single nucleotide variant.
Coding change: c.4046G>A on transcript NM_005045.4 (MANE Select); coding-DNA position 4046, G replaced by A.
Protein change: p.Gly1349Glu; replaces glycine 1349 with glutamic acid.
Molecular consequence: missense variant.
Genome position (GRCh38, 1-based): chr7:103,589,695, C>T on the plus strand (G>A on the coding strand, the complement: RELN is on the minus strand). VCF-style: chr7-103589695-C-T. GRCh37 (hg19) VCF-style: chr7-103230142-C-T.
Other names: c.4046G>A, p.Gly1349Glu (NM_173054.3); short protein forms G1349E.
Identifiers: ClinVar variation 4791059 (VCV004791059.1).